The following is an entry in ClinVar:

ClinVar aggregate classification (germline): Benign/Likely benign. Review status: criteria provided, multiple submitters, no conflicts (2 of 4 stars). 8 submissions from 8 submitters: Benign (5); Likely benign (1). 2 of the submissions do not count toward it. Last evaluated 2026-03-17.

Conditions:
Usher syndrome type 1 (USH1). Also called: RETINITIS PIGMENTOSA AND CONGENITAL DEAFNESS. Identifiers: Orphanet 231169, Orphanet 886, MedGen C1568247, MONDO:0010168, OMIM 276900.

Allele frequency attached by ClinVar (database versions not stated): gnomAD exomes 0.00072 and 0.00195; ExAC 0.00241; gnomAD 0.00786 and 0.00845; 1000 Genomes Project 30x 0.00828; 1000 Genomes Project 0.00859; TOPMed 0.00880; ESP Exome Variant Server 0.00900.
gnomAD v4.1: 2,274 of 1,612,174 alleles (0.14%); highest among the groups gnomAD compares: African/African-American, 2.7%; 39 homozygotes.

Submissions (8):

Women's Health and Genetics/Laboratory Corporation of America, LabCorp
Classification: Benign. Last evaluated: 2026-03-17. Review status: criteria provided, single submitter. Criteria: LabCorp Variant Classification Summary - May 2015. Collection method: clinical testing. Allele origin: germline.
Comment: Variant summary: PCDH15 c.3532G>A (p.Val1178Ile) results in a conservative amino acid change in the encoded protein sequence. Algorithms developed to predict the effect of missense changes on protein structure and function are either unavailable or do not agree on the potential impact of this missense change. The variant allele was found at a frequency of 0.0019 in 251186 control chromosomes, predominantly at a frequency of 0.027 within the African or African-American subpopulation in the gnomAD database, including 10 homozygotes. The observed variant frequency within African or African-American control individuals in the gnomAD database exceeds the estimated maximal expected allele frequency for disease-causing variants in PCDH15. To our knowledge, no occurrence of c.3532G>A in individuals affected with PCDH15-related conditions and no experimental evidence demonstrating its impact on protein function have been reported. ClinVar contains an entry for this variant (Variation ID: 46470). Based on the evidence outlined above, the variant was classified as benign.

Labcorp Genetics (formerly Invitae), Labcorp
Classification: Benign. Last evaluated: 2026-02-04. Review status: criteria provided, single submitter. Criteria: Invitae Variant Classification Sherloc (09022015). Collection method: clinical testing. Allele origin: germline.

ARUP Laboratories, Molecular Genetics and Genomics, ARUP Laboratories
Classification: Benign. Last evaluated: 2023-10-16. Review status: criteria provided, single submitter. Criteria: ARUP Molecular Germline Variant Investigation Process 2024. Collection method: clinical testing. Allele origin: germline.

GeneDx
Classification: Benign. Last evaluated: 2019-02-28. Review status: criteria provided, single submitter. Criteria: GeneDx Variant Classification Process June 2021. Collection method: clinical testing. Allele origin: germline. Affected: yes.

Illumina Laboratory Services, Illumina
Classification: Likely benign for Usher syndrome type 1. Last evaluated: 2018-01-13. Review status: criteria provided, single submitter. Criteria: ICSL Variant Classification Criteria 13 December 2019. Collection method: clinical testing. Allele origin: germline.
Comment: This variant was observed in the ICSL laboratory as part of a predisposition screen in an ostensibly healthy population. It had not been previously curated by ICSL or reported in the Human Gene Mutation Database (HGMD: prior to June 1st, 2018), and was therefore a candidate for classification through an automated scoring system. Utilizing variant allele frequency, disease prevalence and penetrance estimates, and inheritance mode, an automated score was calculated to assess if this variant is too frequent to cause the disease. Based on the score and internal cut-off values, a variant classified as likely benign is not then subjected to further curation. The score for this variant resulted in a classification of likely benign for this disease.

Laboratory for Molecular Medicine, Mass General Brigham Personalized Medicine
Classification: Benign. Last evaluated: 2012-05-14. Review status: criteria provided, single submitter. Criteria: LMM Criteria. Collection method: clinical testing. Allele origin: germline. Observed: 10 variant alleles.
Comment: Val1178Ile in Exon 27 of PCDH15: This variant is not expected to have clinical s ignificance because it has been identified in 2.8% (105/3738) of African America n chromosomes from a broad population by the NHLBI Exome Sequencing Project (dbSNP rs147835286).

Clinical Genetics DNA and cytogenetics Diagnostics Lab, Erasmus MC, Erasmus Medical Center
Classification: Benign. Review status: no assertion criteria provided. Collection method: clinical testing. Allele origin: germline. Affected: yes. Study: VKGL Data-share Consensus. Not counted in ClinVar's aggregate classification.

Clinical Genetics, Academic Medical Center
Classification: Benign. Review status: no assertion criteria provided. Collection method: clinical testing. Allele origin: germline. Affected: yes. Study: VKGL Data-share Consensus. Not counted in ClinVar's aggregate classification.

NM_001384140.1(PCDH15):c.3532G>A (p.Val1178Ile)

Gene: PCDH15 (protocadherin related 15; minus strand). Cytogenetic location: 10q21.1.
Variant type: single nucleotide variant.
Coding change: c.3532G>A on transcript NM_001384140.1 (MANE Select); coding-DNA position 3532, G replaced by A.
Protein change: p.Val1178Ile; replaces valine 1178 with isoleucine.
Molecular consequence: missense variant.
Genome position (GRCh38, 1-based): chr10:53,866,827, C>T on the plus strand (G>A on the coding strand, the complement: PCDH15 is on the minus strand). VCF-style: chr10-53866827-C-T. GRCh37 (hg19) VCF-style: chr10-55626587-C-T.
Other names: c.3547G>A, p.Val1183Ile (NM_001142763.2, NM_001142771.2); c.3532G>A, p.Val1178Ile (NM_001142764.2, NM_001142766.2, NM_001142770.3 and 4 more transcripts); c.3319G>A, p.Val1107Ile (NM_001142765.2); c.3421G>A, p.Val1141Ile (NM_001142767.2); c.3466G>A, p.Val1156Ile (NM_001142768.2, NM_001142773.2, NM_001354404.2); c.3568G>A, p.Val1190Ile (NM_001142769.4); c.3553G>A, p.Val1185Ile (NM_001354411.2); short protein forms V1178I, V1141I, V1156I, V1183I, V1185I, V1107I, V1190I.
Identifiers: ClinVar variation 46470 (VCV000046470.33), dbSNP rs147835286, ClinGen allele CA138417.